The following is an entry in ClinVar:

ClinVar aggregate classification (germline): Likely pathogenic (1 of 4 stars; one submission).

Submission:

Labcorp Genetics (formerly Invitae), Labcorp
Classification: Likely pathogenic. Last evaluated: 2024-03-20. Review status: criteria provided, single submitter. Criteria: Invitae Variant Classification Sherloc (09022015). Collection method: clinical testing. Allele origin: germline.
Comment: This variant results in the deletion of part of exon 11 of the POLE gene. It is expected to disrupt RNA splicing. Variants that disrupt the donor or acceptor splice site typically lead to a loss of protein function (PMID: 16199547), and loss-of-function variants in POLE are known to be pathogenic (PMID: 23230001, 25948378, 30503519). Information on the frequency of this variant in the gnomAD database is not available, as this variant may be reported differently in the database. This variant has not been reported in the literature in individuals affected with POLE-related conditions. In summary, the currently available evidence indicates that the variant is pathogenic, but additional data are needed to prove that conclusively. Therefore, this variant has been classified as Likely Pathogenic.

Literature cited by the submitters: PubMed 16199547; PubMed 23230001; PubMed 25948378; PubMed 30503519.

NM_006231.4(POLE):c.1106_1106+1delinsTT

Gene: POLE (DNA polymerase epsilon, catalytic subunit; minus strand). Cytogenetic location: 12q24.33.
Variant type: Indel.
Coding change: c.1106_1106+1delinsTT on transcript NM_006231.4 (MANE Select); coding-DNA position 1106 through the canonical splice donor site of the intron after coding-DNA position 1106, GG replaced by TT.
Molecular consequence: splice donor variant.
Genome position (GRCh38, 1-based): chr12:132,675,734-132,675,735, CC replaced by AA on the plus strand (GG replaced by TT on the coding strand, the reverse complement: POLE is on the minus strand). VCF-style: chr12-132675734-CC-AA. GRCh37 (hg19) VCF-style: chr12-133252320-CC-AA.
Identifiers: ClinVar variation 3646921 (VCV003646921.2).